The following is an entry in ClinVar:

ClinVar aggregate classification (germline): Uncertain significance (1 of 4 stars; one submission).

gnomAD v4.1: 13 of 1,611,262 alleles (0.00081%); highest among the groups gnomAD compares: East Asian, 0.0089%; no homozygotes.

Submission:

Labcorp Genetics (formerly Invitae), Labcorp
Classification: Uncertain significance. Last evaluated: 2022-10-25. Review status: criteria provided, single submitter. Criteria: Invitae Variant Classification Sherloc (09022015). Collection method: clinical testing. Allele origin: germline.
Comment: In summary, the available evidence is currently insufficient to determine the role of this variant in disease. Therefore, it has been classified as a Variant of Uncertain Significance. Advanced modeling of protein sequence and biophysical properties (such as structural, functional, and spatial information, amino acid conservation, physicochemical variation, residue mobility, and thermodynamic stability) performed at Invitae indicates that this missense variant is expected to disrupt IFT81 protein function. This variant has not been reported in the literature in individuals affected with IFT81-related conditions. This variant is present in population databases (rs146931939, gnomAD 0.01%). This sequence change replaces arginine, which is basic and polar, with cysteine, which is neutral and slightly polar, at codon 251 of the IFT81 protein (p.Arg251Cys).

NM_014055.4(IFT81):c.751C>T (p.Arg251Cys)

Gene: IFT81 (intraflagellar transport 81; plus strand). Cytogenetic location: 12q24.11.
Variant type: single nucleotide variant.
Coding change: c.751C>T on transcript NM_014055.4 (MANE Select); coding-DNA position 751, C replaced by T.
Protein change: p.Arg251Cys; replaces arginine 251 with cysteine.
Molecular consequence: missense variant. On other transcripts: 5 prime UTR variant (2), non-coding transcript variant (4).
Genome position (GRCh38, 1-based): chr12:110,136,830, C>T. VCF-style: chr12-110136830-C-T. GRCh37 (hg19) VCF-style: chr12-110574635-C-T.
Other names: c.751C>T, p.Arg251Cys (NM_001143779.2, NM_001347946.2, NM_031473.4); c.-16C>T (NM_001347947.2, NM_001347948.2); short protein forms R251C.
Identifiers: ClinVar variation 1904786 (VCV001904786.3), dbSNP rs146931939, ClinGen allele CA6783179.